The following is an entry in ClinVar:

NM_020975.6(RET):c.3188-3del

Gene: RET (ret proto-oncogene; plus strand). Cytogenetic location: 10q11.21.
Variant type: Deletion.
Coding change: c.3188-3del on transcript NM_020975.6 (MANE Select); 3 bases into the intron before coding-DNA position 3188, one base deleted (T; older notation c.3188-3delT).
Molecular consequence: intron variant.
Genome position (GRCh38, 1-based): chr10:43,128,109, T deleted; the last of 5 consecutive T bases (chr10:43,128,105-43,128,109); deleting any one gives the same sequence. VCF-style (leftmost placement, unchanged base first): chr10-43128104-AT-A. GRCh37 (hg19) VCF-style: chr10-43623552-AT-A.
Identifiers: ClinVar variation 942045 (VCV000942045.9), dbSNP rs1838373407, ClinGen allele CA1139659391.

ClinVar aggregate classification (germline): Uncertain significance (1 of 4 stars; one submission).

Conditions:
Multiple endocrine neoplasia, type 2 (MEN2). Identifiers: Orphanet 653, MedGen C4048306, MONDO:0019003. Disease mechanism: gain of function.

Submission:

Labcorp Genetics (formerly Invitae), Labcorp
Classification: Uncertain significance for Multiple endocrine neoplasia, type 2. Last evaluated: 2019-06-17. Review status: criteria provided, single submitter. Criteria: Invitae Variant Classification Sherloc (09022015). Collection method: clinical testing. Allele origin: germline.
Comment: In summary, the available evidence is currently insufficient to determine the role of this variant in disease. Therefore, it has been classified as a Variant of Uncertain Significance. Nucleotide substitutions within the consensus splice site are a relatively common cause of aberrant splicing (PMID: 17576681, 9536098). Algorithms developed to predict the effect of sequence changes on RNA splicing suggest that this variant is not likely to affect RNA splicing, but this prediction has not been confirmed by published transcriptional studies. This variant has not been reported in the literature in individuals with RET-related conditions. This variant is not present in population databases (ExAC no frequency). This sequence change falls in intron 19 of the RET gene. It does not directly change the encoded amino acid sequence of the RET protein, but it affects a nucleotide within the consensus splice site of the intron.

Literature cited by the submitters: PubMed 17576681; PubMed 9536098.